The following is an entry in ClinVar:

NM_000784.4(CYP27A1):c.343G>T (p.Glu115Ter)

Gene: CYP27A1 (cytochrome P450 family 27 subfamily A member 1; plus strand). Cytogenetic location: 2q35.
Variant type: single nucleotide variant.
Coding change: c.343G>T on transcript NM_000784.4 (MANE Select); coding-DNA position 343, G replaced by T.
Protein change: p.Glu115Ter; replaces glutamic acid 115 with a stop codon.
Molecular consequence: nonsense.
Genome position (GRCh38, 1-based): chr2:218,809,664, G>T. VCF-style: chr2-218809664-G-T. GRCh37 (hg19) VCF-style: chr2-219674387-G-T.
Other names: short protein forms E115*.
Identifiers: ClinVar variation 5013000 (VCV005013000.1).

ClinVar aggregate classification (germline): Pathogenic (1 of 4 stars; one submission).

Conditions:
Cholestanol storage disease (CTX). Also called: CEREBRAL CHOLESTERINOSIS; Cerebrotendinous Xanthomatosis; CTX: Cerebrotendinous xanthomatosis. Identifiers: Orphanet 909, MedGen C0238052, MONDO:0008948, OMIM 213700.

Submission:

Myriad Genetics, Inc.
Classification: Pathogenic for Cholestanol storage disease. Last evaluated: 2024-05-03. Review status: criteria provided, single submitter. Criteria: Myriad Autosomal Dominant, Autosomal Recessive and X-Linked Classification Criteria (2023). Collection method: clinical testing. Allele origin: unknown.
Comment: NM_000784.3(CYP27A1):c.343G>T(E115*) is expected to be pathogenic in the context of cerebrotendinous xanthomatosis. This variant is predicted to lead to an abnormal or absent protein product due to the creation of a premature termination codon in CYP27A1, a gene where loss-of-function variants are known to be pathogenic. Please note: this variant was assessed in the context of healthy population screening.